The following is an entry in ClinVar:

NM_033641.4(COL4A6):c.1496C>A (p.Pro499His)

Gene: COL4A6 (collagen type IV alpha 6 chain; minus strand). Cytogenetic location: Xq22.3.
Variant type: single nucleotide variant.
Coding change: c.1496C>A on transcript NM_033641.4 (MANE Select); coding-DNA position 1496, C replaced by A.
Protein change: p.Pro499His; replaces proline 499 with histidine.
Molecular consequence: missense variant.
Genome position (GRCh38, 1-based): chrX:108,188,608, G>T on the plus strand (C>A on the coding strand, the complement: COL4A6 is on the minus strand). VCF-style: chrX-108188608-G-T. GRCh37 (hg19) VCF-style: chrX-107431838-G-T.
Other names: c.1496C>A, p.Pro499His (NM_001287758.2, NM_001287759.2, NM_001287760.2 and 1 more transcripts); c.1499C>A, p.Pro500His (NM_001440759.1, NM_001847.4); short protein forms P499H, P500H.
Identifiers: ClinVar variation 4823722 (VCV004823722.4).

ClinVar aggregate classification (germline): Likely benign (1 of 4 stars; one submission).

gnomAD v4.1: 12 of 1,196,569 alleles (0.001%); highest among the groups gnomAD compares: Non-Finnish European, 0.0011%; no homozygotes.

Submission:

CeGaT Center for Human Genetics Tuebingen
Classification: Likely benign. Last evaluated: 2026-03-01. Review status: criteria provided, single submitter. Criteria: CeGaT Center For Human Genetics Tuebingen Variant Classification Criteria Version 2. Collection method: clinical testing. Allele origin: germline. Affected: yes. Observed: 1 variant allele.
Comment: COL4A6: BS2